The following is an entry in ClinVar:

ClinVar aggregate classification (germline): Likely benign (1 of 4 stars; one submission).

Allele frequency attached by ClinVar (database versions not stated): gnomAD exomes below 0.00001; TOPMed 0.00001.

Submission:

Laboratory for Molecular Medicine, Mass General Brigham Personalized Medicine
Classification: Likely benign. Last evaluated: 2012-02-15. Review status: criteria provided, single submitter. Criteria: LMM Criteria. Collection method: clinical testing. Allele origin: germline. Observed: 2 variant alleles.
Comment: *4T>A in exon 2 of PLN: This variant is not expected to have clinical significa nce because it is located in the 3' UTR.

NM_002667.5(PLN):c.*4T>A

Genes: CEP85L (centrosomal protein 85 like; minus strand), PLN (phospholamban; plus strand). Cytogenetic location: 6q22.31.
Variant type: single nucleotide variant.
Coding change: c.*4T>A on transcript NM_002667.5 (MANE Select); 4 bases downstream of the stop codon, T replaced by A.
Molecular consequence: 3 prime UTR variant. On other transcripts: intron variant (3).
Genome position (GRCh38, 1-based): chr6:118,559,084, T>A. VCF-style: chr6-118559084-T-A. GRCh37 (hg19) VCF-style: chr6-118880247-T-A.
Other names: c.*4T>A; c.1029+6445A>T (NM_001178035.2); c.1020+6445A>T (NM_001042475.3, NM_206921.3).
Identifiers: ClinVar variation 44576 (VCV000044576.5), dbSNP rs397516782, ClinGen allele CA134572.